The following is an entry in ClinVar:

NM_004036.5(ADCY3):c.2416C>T (p.Arg806Cys)

Gene: ADCY3 (adenylate cyclase 3; minus strand). Cytogenetic location: 2p23.3.
Variant type: single nucleotide variant.
Coding change: c.2416C>T on transcript NM_004036.5 (MANE Select); coding-DNA position 2416, C replaced by T.
Protein change: p.Arg806Cys; replaces arginine 806 with cysteine.
Molecular consequence: missense variant. On other transcripts: intron variant (1).
Genome position (GRCh38, 1-based): chr2:24,827,918, G>A on the plus strand (C>T on the coding strand, the complement: ADCY3 is on the minus strand). VCF-style: chr2-24827918-G-A. GRCh37 (hg19) VCF-style: chr2-25050787-G-A.
Other names: c.2416C>T, p.Arg806Cys (NM_001320613.2, NM_001377132.1); c.2482C>T, p.Arg828Cys (NM_001377128.1); c.2278C>T, p.Arg760Cys (NM_001377129.1); c.1693C>T, p.Arg565Cys (NM_001377131.1); c.2172+2791C>T (NM_001377130.1); short protein forms R565C, R760C, R806C, R828C.
Identifiers: ClinVar variation 3040109 (VCV003040109.2), dbSNP rs373035912, ClinGen allele CA1553783.
Genomic context (GRCh38, chr2:24,827,918, plus strand): 5'-GGAGGAAGGAGACAATACAGATCCCCAGTCACGCTTCATCTTACTCGTGCTCCCGAAAAC[G>A]CTTGTGGTCGTATTCATCAAAGACGGGACGCCAGGCATAGAGGTTGATGGTGGCCACGGC-3'
Protein context (NP_004027.2, residues 796-816): RPVFDEYDHK[Arg806Cys]FREHDLPMVA

ClinVar aggregate classification (germline): Uncertain significance (0 of 4 stars; one submission).

Conditions:
ADCY3-related disorder. Also called: ADCY3-related condition.

Allele frequency attached by ClinVar (database versions not stated): TOPMed 0.00004; gnomAD 0.00005; ExAC 0.00007; gnomAD exomes 0.00007; ESP Exome Variant Server 0.00008.
gnomAD v4.1: 115 of 1,614,022 alleles (0.0071%); highest among the groups gnomAD compares: Middle Eastern, 0.016%; no homozygotes.

Submission:

PreventionGenetics, part of Exact Sciences
Classification: Uncertain significance for ADCY3-related condition. Last evaluated: 2023-12-07. Review status: no assertion criteria provided. Collection method: clinical testing. Allele origin: germline.
Comment: The ADCY3 c.2416C>T variant is predicted to result in the amino acid substitution p.Arg806Cys. To our knowledge, this variant has not been reported in the literature. This variant is reported in 0.029% of alleles in individuals of Ashkenazi Jewish descent in gnomAD. At this time, the clinical significance of this variant is uncertain due to the absence of conclusive functional and genetic evidence.